The following is an entry in ClinVar:

ClinVar aggregate classification (germline): Benign/Likely benign. Review status: criteria provided, multiple submitters, no conflicts (2 of 4 stars). 9 submissions from 9 submitters: Benign (1); Likely benign (8). Last evaluated 2026-04-01.

Conditions:
Collagen 6-related myopathy. Identifiers: MedGen CN117976, MONDO:0100225.
Bethlem myopathy 1A. Also called: Bethlem myopathy 1; MYOPATHY, BENIGN CONGENITAL, WITH CONTRACTURES; Bethlem Muscular Dystrophy. Identifiers: Orphanet 610, MedGen CN029274, MONDO:0024530, OMIM 158810.

Allele frequency attached by ClinVar (database versions not stated): 1000 Genomes Project 0.00100; 1000 Genomes Project 30x 0.00125; gnomAD 0.00125 and 0.00130; ESP Exome Variant Server 0.00131; TOPMed 0.00133; ExAC 0.00138.
gnomAD v4.1: 2,181 of 1,594,292 alleles (0.14%); highest among the groups gnomAD compares: Non-Finnish European, 0.17%; 2 homozygotes.

Submissions (9):

CeGaT Center for Human Genetics Tuebingen
Classification: Likely benign. Last evaluated: 2026-04-01. Review status: criteria provided, single submitter. Criteria: CeGaT Center For Human Genetics Tuebingen Variant Classification Criteria Version 2. Collection method: clinical testing. Allele origin: germline. Affected: yes. Observed: 6 variant alleles.
Comment: COL6A2: BP4, BP7

Labcorp Genetics (formerly Invitae), Labcorp
Classification: Likely benign for Bethlem myopathy 1A. Last evaluated: 2026-01-14. Review status: criteria provided, single submitter. Criteria: Invitae Variant Classification Sherloc (09022015). Collection method: clinical testing. Allele origin: germline.

Mayo Clinic Laboratories, Mayo Clinic
Classification: Likely benign. Last evaluated: 2025-10-06. Review status: criteria provided, single submitter. Criteria: ACMG Guidelines, 2015. Collection method: clinical testing. Allele origin: germline. Observed: 5 variant alleles.
Comment: BS1, BP4, BP7

Blueprint Genetics
Classification: Likely benign. Last evaluated: 2024-09-30. Review status: criteria provided, single submitter. Criteria: ACMG Guidelines, 2015. Collection method: clinical testing. Allele origin: germline.

GeneDx
Classification: Likely benign. Last evaluated: 2020-09-01. Review status: criteria provided, single submitter. Criteria: GeneDx Variant Classification Process June 2021. Collection method: clinical testing. Allele origin: germline. Affected: yes.

Illumina Laboratory Services, Illumina
Classification: Benign for Collagen VI-related myopathy. Last evaluated: 2018-01-13. Review status: criteria provided, single submitter. Criteria: ICSL Variant Classification Criteria 13 December 2019. Collection method: clinical testing. Allele origin: germline.
Comment: This variant was observed in the ICSL laboratory as part of a predisposition screen in an ostensibly healthy population. It had not been previously curated by ICSL or reported in the Human Gene Mutation Database (HGMD: prior to June 1st, 2018), and was therefore a candidate for classification through an automated scoring system. Utilizing variant allele frequency, disease prevalence and penetrance estimates, and inheritance mode, an automated score was calculated to assess if this variant is too frequent to cause the disease. Based on the score and internal cut-off values, a variant classified as benign is not then subjected to further curation. The score for this variant resulted in a classification of benign for this disease.

Eurofins Ntd Llc (ga)
Classification: Likely benign. Last evaluated: 2016-10-23. Review status: criteria provided, single submitter. Criteria: EGL Classification Definitions 2015. Collection method: clinical testing. Allele origin: germline. Observed: 10 variant alleles, 10 heterozygotes.

Breakthrough Genomics
Classification: Likely benign. Review status: criteria provided, single submitter. Criteria: ACMG Guidelines, 2015. Collection method: not provided. Allele origin: germline. Inheritance: Autosomal recessive inheritance. Affected: yes.

PreventionGenetics, part of Exact Sciences
Classification: Likely benign. Review status: criteria provided, single submitter. Criteria: ACMG Guidelines, 2015. Collection method: clinical testing. Allele origin: germline.

NM_001849.4(COL6A2):c.2607C>T (p.Asp869=)

Gene: COL6A2 (collagen type VI alpha 2 chain; plus strand). Cytogenetic location: 21q22.3.
Variant type: single nucleotide variant.
Coding change: c.2607C>T on transcript NM_001849.4 (MANE Select); coding-DNA position 2607, C replaced by T.
Protein change: p.Asp869=; no amino-acid change (aspartic acid 869 retained).
Molecular consequence: synonymous variant.
Genome position (GRCh38, 1-based): chr21:46,132,099, C>T. VCF-style: chr21-46132099-C-T. GRCh37 (hg19) VCF-style: chr21-47552013-C-T.
Other names: p.Asp869=.
Identifiers: ClinVar variation 258331 (VCV000258331.48), dbSNP rs150219725, ClinGen allele CA10072947.